The following is an entry in ClinVar:

NM_181882.3(PRX):c.3935G>T (p.Gly1312Val)

Gene: PRX (periaxin; minus strand). Cytogenetic location: 19q13.2.
Variant type: single nucleotide variant.
Coding change: c.3935G>T on transcript NM_181882.3 (MANE Select); coding-DNA position 3935, G replaced by T.
Protein change: p.Gly1312Val; replaces glycine 1312 with valine.
Molecular consequence: missense variant. On other transcripts: 3 prime UTR variant (1).
Genome position (GRCh38, 1-based): chr19:40,394,417, C>A on the plus strand (G>T on the coding strand, the complement: PRX is on the minus strand). VCF-style: chr19-40394417-C-A. GRCh37 (hg19) VCF-style: chr19-40900324-C-A.
Other names: c.*4140G>T (NM_020956.2); short protein forms G1312V.
Identifiers: ClinVar variation 663939 (VCV000663939.8), dbSNP rs764644013, ClinGen allele CA9443738.

ClinVar aggregate classification (germline): Uncertain significance (1 of 4 stars; one submission).

Conditions:
Charcot-Marie-Tooth disease type 4. Also called: Charcot-Marie-Tooth, Type 4; Charcot-Marie-Tooth disease, type IV. Identifiers: Orphanet 64749, MedGen C4082197, MONDO:0018995.

Allele frequency attached by ClinVar (database versions not stated): gnomAD below 0.00001; TOPMed 0.00001; ExAC 0.00006.
gnomAD v4.1: 17 of 1,601,472 alleles (0.0011%); highest among the groups gnomAD compares: South Asian, 0.016%; no homozygotes.

Submission:

Labcorp Genetics (formerly Invitae), Labcorp
Classification: Uncertain significance for Charcot-Marie-Tooth disease type 4. Last evaluated: 2018-10-06. Review status: criteria provided, single submitter. Criteria: Invitae Variant Classification Sherloc (09022015). Collection method: clinical testing. Allele origin: germline.
Comment: This sequence change replaces glycine with valine at codon 1312 of the PRX protein (p.Gly1312Val). The glycine residue is moderately conserved and there is a moderate physicochemical difference between glycine and valine. This variant is present in population databases (rs764644013, ExAC 0.03%). In summary, the available evidence is currently insufficient to determine the role of this variant in disease. Therefore, it has been classified as a Variant of Uncertain Significance. Algorithms developed to predict the effect of missense changes on protein structure and function are either unavailable or do not agree on the potential impact of this missense change (SIFT: "Deleterious"; PolyPhen-2: "Probably Damaging"; Align-GVGD: "Class C0"). This variant has not been reported in the literature in individuals with PRX-related disease.